The following is an entry in ClinVar:

NM_006397.3(RNASEH2A):c.760T>C (p.Trp254Arg)

Gene: RNASEH2A (ribonuclease H2 subunit A; plus strand). Cytogenetic location: 19p13.13.
Variant type: single nucleotide variant.
Coding change: c.760T>C on transcript NM_006397.3 (MANE Select); coding-DNA position 760, T replaced by C.
Protein change: p.Trp254Arg; replaces tryptophan 254 with arginine.
Molecular consequence: missense variant.
Genome position (GRCh38, 1-based): chr19:12,813,205, T>C. VCF-style: chr19-12813205-T-C. GRCh37 (hg19) VCF-style: chr19-12924019-T-C.
Other names: short protein forms W254R.
Identifiers: ClinVar variation 451556 (VCV000451556.9), dbSNP rs757666508, ClinGen allele CA9232025.

ClinVar aggregate classification (germline): Uncertain significance. Review status: criteria provided, multiple submitters, no conflicts (2 of 4 stars). 2 submissions from 2 submitters: Uncertain significance (2). Last evaluated 2022-05-05.

Conditions:
Aicardi-Goutieres syndrome 4. Identifiers: Orphanet 51, MedGen C1835912, MONDO:0012472, OMIM 610333.

Allele frequency attached by ClinVar (database versions not stated): ExAC 0.00001; gnomAD 0.00001; gnomAD exomes 0.00001 and 0.00003; TOPMed 0.00001.
gnomAD v4.1: 50 of 1,613,878 alleles (0.0031%); highest among the groups gnomAD compares: Non-Finnish European, 0.0042%; no homozygotes.

Submissions (2):

Labcorp Genetics (formerly Invitae), Labcorp
Classification: Uncertain significance for Aicardi-Goutieres syndrome 4. Last evaluated: 2022-05-05. Review status: criteria provided, single submitter. Criteria: Invitae Variant Classification Sherloc (09022015). Collection method: clinical testing. Allele origin: germline.
Comment: This sequence change replaces tryptophan, which is neutral and slightly polar, with arginine, which is basic and polar, at codon 254 of the RNASEH2A protein (p.Trp254Arg). This variant is present in population databases (rs757666508, gnomAD 0.004%). This variant has not been reported in the literature in individuals affected with RNASEH2A-related conditions. ClinVar contains an entry for this variant (Variation ID: 451556). Algorithms developed to predict the effect of missense changes on protein structure and function are either unavailable or do not agree on the potential impact of this missense change (SIFT: "Deleterious"; PolyPhen-2: "Probably Damaging"; Align-GVGD: "Class C0"). In summary, the available evidence is currently insufficient to determine the role of this variant in disease. Therefore, it has been classified as a Variant of Uncertain Significance.

GeneDx
Classification: Uncertain significance. Last evaluated: 2017-09-05. Review status: criteria provided, single submitter. Criteria: GeneDx Variant Classification (06012015). Collection method: clinical testing. Allele origin: germline. Affected: yes.
Comment: The W254R variant in the RNASEH2A gene has not been reported previously as a pathogenic variant, nor as a benign variant, to our knowledge. The W254R variant is not observed at a significant frequency in large population cohorts (Lek et al., 2016; 1000 Genomes Consortium et al., 2015; Exome Variant Server). The W254R variant is a non-conservative amino acid substitution, which is likely to impact secondary protein structure as these residues differ in polarity, charge, size and/or other properties. This substitution occurs at a position that is conserved across species, and in silico analysis predicts this variant is probably damaging to the protein structure/function. We interpret W254R as a variant of uncertain significance.